The following is an entry in ClinVar:

NM_000059.4(BRCA2):c.8316A>T (p.Glu2772Asp)

Gene: BRCA2 (BRCA2 DNA repair associated; plus strand). Cytogenetic location: 13q13.1.
Variant type: single nucleotide variant.
Coding change: c.8316A>T on transcript NM_000059.4 (MANE Select); coding-DNA position 8316, A replaced by T.
Protein change: p.Glu2772Asp; replaces glutamic acid 2772 with aspartic acid.
Molecular consequence: missense variant.
Genome position (GRCh38, 1-based): chr13:32,363,518, A>T. VCF-style: chr13-32363518-A-T. GRCh37 (hg19) VCF-style: chr13-32937655-A-T.
Other names: c.8220A>T, p.Glu2740Asp (NM_001406719.1); c.8316A>T, p.Glu2772Asp (NM_001406720.1); c.3384A>T, p.Glu1128Asp (NM_001406721.1); c.1899A>T, p.Glu633Asp (NM_001406722.1); short protein forms E633D, E1128D, E2740D, E2772D.
Identifiers: ClinVar variation 1762886 (VCV001762886.4), dbSNP rs1555287084, ClinGen allele CA387750237.

ClinVar aggregate classification (germline): Conflicting classifications of pathogenicity. Review status: criteria provided, conflicting classifications (1 of 4 stars). 2 submissions from 2 submitters: Uncertain significance (1); Likely benign (1). Last evaluated 2025-05-08.

Conditions:
Hereditary cancer-predisposing syndrome. Also called: Neoplastic Syndromes, Hereditary; Tumor predisposition; Hereditary Cancer Syndrome; Hereditary neoplastic syndrome. Identifiers: Orphanet 140162, MedGen C0027672, MeSH D009386, MONDO:0015356.

Submissions (2):

Ambry Genetics
Classification: Likely benign for Hereditary cancer-predisposing syndrome. Last evaluated: 2025-05-08. Review status: criteria provided, single submitter. Criteria: Ambry Variant Classification Scheme 2023. Collection method: clinical testing. Allele origin: germline.

Quest Diagnostics Nichols Institute San Juan Capistrano
Classification: Uncertain significance. Last evaluated: 2024-07-30. Review status: criteria provided, single submitter. Criteria: Quest Diagnostics criteria. Collection method: clinical testing. Allele origin: unknown.
Comment: The BRCA2 c.8316A>T (p.Glu2772Asp) variant has not been reported in individuals with BRCA2-related conditions in the published literature. It also has not been reported in large, multi-ethnic general populations (Genome Aggregation Database). Analysis of this variant using bioinformatics tools for the prediction of the effect of amino acid changes on protein structure and function yielded predictions that this variant is benign. Based on the available information, we are unable to determine the clinical significance of this variant.